The following is an entry in ClinVar:

NM_138927.4(SON):c.1596G>A (p.Thr532=)

Gene: SON (SON DNA and RNA binding protein; plus strand). Cytogenetic location: 21q22.11.
Variant type: single nucleotide variant.
Coding change: c.1596G>A on transcript NM_138927.4 (MANE Select); coding-DNA position 1596, G replaced by A.
Protein change: p.Thr532=; no amino-acid change (threonine 532 retained).
Molecular consequence: synonymous variant. On other transcripts: non-coding transcript variant (1), intron variant (1).
Genome position (GRCh38, 1-based): chr21:33,550,827, G>A. VCF-style: chr21-33550827-G-A. GRCh37 (hg19) VCF-style: chr21-34923133-G-A.
Other names: c.1596G>A, p.Thr532= (NM_001291411.2, NM_001412133.1, NM_032195.3 and 2 more transcripts); c.244+4448G>A (NM_001291412.3).
Identifiers: ClinVar variation 2652609 (VCV002652609.28), dbSNP rs774484269, ClinGen allele CA10008931.
Genomic context (GRCh38, chr21:33,550,827, plus strand): 5'-GTTGGAGCAGCCTGTGGGGATGACAACGGTGGAACATCCTGGGCATCCTGAGGTGACAAC[G>A]GCAACAGGGTTGCTGGGGCAGCCTGAGGCAACGATGGTGCTGGAGTTGCCAGGACAGCCA-3'
Protein context (NP_620305.3, residues 522-542): VEHPGHPEVT[Thr532=]ATGLLGQPEA

ClinVar aggregate classification (germline): Likely benign. Review status: criteria provided, multiple submitters, no conflicts (2 of 4 stars). 3 submissions from 3 submitters: Likely benign (3). Last evaluated 2025-12-09.

Allele frequency attached by ClinVar (database versions not stated): gnomAD exomes 0.00001; TOPMed 0.00002; ExAC 0.00004.
gnomAD v4.1: 12 of 1,613,824 alleles (0.00074%); highest among the groups gnomAD compares: South Asian, 0.0033%; no homozygotes.

Submissions (3):

Labcorp Genetics (formerly Invitae), Labcorp
Classification: Likely benign. Last evaluated: 2025-12-09. Review status: criteria provided, single submitter. Criteria: Invitae Variant Classification Sherloc (09022015). Collection method: clinical testing. Allele origin: germline.

Blueprint Genetics
Classification: Likely benign. Last evaluated: 2023-12-07. Review status: criteria provided, single submitter. Criteria: ACMG Guidelines, 2015. Collection method: clinical testing. Allele origin: germline.

CeGaT Center for Human Genetics Tuebingen
Classification: Likely benign. Last evaluated: 2022-03-01. Review status: criteria provided, single submitter. Criteria: CeGaT Center For Human Genetics Tuebingen Variant Classification Criteria Version 2. Collection method: clinical testing. Allele origin: germline. Affected: yes. Observed: 1 variant allele.
Comment: SON: BP4, BP7